The following is an entry in ClinVar:

ClinVar aggregate classification (germline): Uncertain significance (1 of 4 stars; one submission).

Allele frequency attached by ClinVar (database versions not stated): gnomAD 0.00001.

Submission:

Labcorp Genetics (formerly Invitae), Labcorp
Classification: Uncertain significance. Last evaluated: 2021-11-02. Review status: criteria provided, single submitter. Criteria: Invitae Variant Classification Sherloc (09022015). Collection method: clinical testing. Allele origin: germline.
Comment: This variant has not been reported in the literature in individuals affected with FGF23-related conditions. Algorithms developed to predict the effect of missense changes on protein structure and function (SIFT, PolyPhen-2, Align-GVGD) all suggest that this variant is likely to be tolerated. In summary, the available evidence is currently insufficient to determine the role of this variant in disease. Therefore, it has been classified as a Variant of Uncertain Significance. This variant is present in population databases (rs777052991, gnomAD 0.002%). This sequence change replaces methionine, which is neutral and non-polar, with valine, which is neutral and non-polar, at codon 149 of the FGF23 protein (p.Met149Val).

NM_020638.3(FGF23):c.445A>G (p.Met149Val)

Gene: FGF23 (fibroblast growth factor 23; minus strand). Cytogenetic location: 12p13.32.
Variant type: single nucleotide variant.
Coding change: c.445A>G on transcript NM_020638.3 (MANE Select); coding-DNA position 445, A replaced by G.
Protein change: p.Met149Val; replaces methionine 149 with valine.
Molecular consequence: missense variant.
Genome position (GRCh38, 1-based): chr12:4,370,654, T>C on the plus strand (A>G on the coding strand, the complement: FGF23 is on the minus strand). VCF-style: chr12-4370654-T-C. GRCh37 (hg19) VCF-style: chr12-4479820-T-C.
Other names: short protein forms M149V.
Identifiers: ClinVar variation 1483633 (VCV001483633.6), dbSNP rs777052991, ClinGen allele CA6395682.